The following is an entry in ClinVar:

ClinVar aggregate classification (germline): Uncertain significance. Review status: criteria provided, multiple submitters, no conflicts (2 of 4 stars). 3 submissions from 3 submitters: Uncertain significance (3). Last evaluated 2022-12-05.

Conditions:
Inborn genetic diseases. Identifiers: MedGen C0950123, MeSH D030342.
Bone mineral density quantitative trait locus 1 (BMND1). Identifiers: MedGen C1866079, OMIM 601884.
Worth disease. Also called: ENDOSTEAL HYPEROSTOSIS, AUTOSOMAL DOMINANT; OSTEOSCLEROSIS, AUTOSOMAL DOMINANT; Autosomal dominant osteosclerosis, Worth type. Identifiers: Orphanet 2790, MedGen C0432273, MONDO:0007764, OMIM 144750.
Exudative vitreoretinopathy 4 (EVR4). Identifiers: Orphanet 891, MedGen C1866176, MONDO:0011151, OMIM 601813.
Osteoporosis. Identifiers: MedGen C0029456, MONDO:0005298, OMIM 166710, HP:0000939.
Polycystic liver disease 4 with or without kidney cysts. Identifiers: MedGen C4693479, MONDO:0044327, OMIM 617875.
Exudative vitreoretinopathy 1 (EVR1). Also called: CRISWICK-SCHEPENS SYNDROME; FEVR, AUTOSOMAL DOMINANT; Familial exudative vitreoretinopathy, autosomal dominant. Identifiers: Orphanet 891, Orphanet 90050, MedGen C1851402, MONDO:0007589, OMIM 133780.
Autosomal dominant osteopetrosis 1 (OPTA1). Also called: OSTEOPETROSIS, AUTOSOMAL DOMINANT, TYPE I. Identifiers: Orphanet 2783, MedGen C1843330, MONDO:0011877, OMIM 607634.
Osteoporosis with pseudoglioma (OPPG). Also called: osteoporosis-pseudoglioma syndrome. Identifiers: Orphanet 2788, MedGen C0432252, MONDO:0009820, OMIM 259770.

Allele frequency attached by ClinVar (database versions not stated): TOPMed 0.00001; gnomAD exomes 0.00004; ExAC 0.00005; 1000 Genomes Project 30x 0.00031; 1000 Genomes Project 0.00040.
gnomAD v4.1: 31 of 1,613,802 alleles (0.0019%); highest among the groups gnomAD compares: Middle Eastern, 0.033%; 1 homozygote.

Submissions (3):

Labcorp Genetics (formerly Invitae), Labcorp
Classification: Uncertain significance. Last evaluated: 2022-12-05. Review status: criteria provided, single submitter. Criteria: Invitae Variant Classification Sherloc (09022015). Collection method: clinical testing. Allele origin: germline.
Comment: In summary, the available evidence is currently insufficient to determine the role of this variant in disease. Therefore, it has been classified as a Variant of Uncertain Significance. Advanced modeling of protein sequence and biophysical properties (such as structural, functional, and spatial information, amino acid conservation, physicochemical variation, residue mobility, and thermodynamic stability) performed at Invitae indicates that this missense variant is not expected to disrupt LRP5 protein function. ClinVar contains an entry for this variant (Variation ID: 1018530). This variant has not been reported in the literature in individuals affected with LRP5-related conditions. This variant is present in population databases (rs201285828, gnomAD 0.006%). This sequence change replaces arginine, which is basic and polar, with cysteine, which is neutral and slightly polar, at codon 1066 of the LRP5 protein (p.Arg1066Cys).

Fulgent Genetics
Classification: Uncertain significance for Exudative vitreoretinopathy 1; Worth disease; Osteoporosis; Osteoporosis with pseudoglioma; Exudative vitreoretinopathy 4; Bone mineral density quantitative trait locus 1; Autosomal dominant osteopetrosis 1; Polycystic liver disease 4 with or without kidney cysts. Last evaluated: 2022-04-14. Review status: criteria provided, single submitter. Criteria: ACMG Guidelines, 2015. Collection method: clinical testing. Allele origin: unknown.

Ambry Genetics
Classification: Uncertain significance for Inborn genetic diseases. Last evaluated: 2021-11-08. Review status: criteria provided, single submitter. Criteria: Ambry Variant Classification Scheme 2023. Collection method: clinical testing. Allele origin: germline.

NM_002335.4(LRP5):c.3196C>T (p.Arg1066Cys)

Gene: LRP5 (LDL receptor related protein 5; plus strand). Cytogenetic location: 11q13.2.
Variant type: single nucleotide variant.
Coding change: c.3196C>T on transcript NM_002335.4 (MANE Select); coding-DNA position 3196, C replaced by T.
Protein change: p.Arg1066Cys; replaces arginine 1066 with cysteine.
Molecular consequence: missense variant.
Genome position (GRCh38, 1-based): chr11:68,423,657, C>T. VCF-style: chr11-68423657-C-T. GRCh37 (hg19) VCF-style: chr11-68191125-C-T.
Other names: c.1453C>T, p.Arg485Cys (NM_001291902.2); c.3196C>T (NM_002335.2); short protein forms R1066C, R485C.
Identifiers: ClinVar variation 1018530 (VCV001018530.9), dbSNP rs201285828, ClinGen allele CA6149872.
Genomic context (GRCh38, chr11:68,423,657, plus strand): 5'-AATACCATCAACGTCCACAGGCTGAGCGGGGAAGCCATGGGGGTGGTGCTGCGTGGGGAC[C>T]GCGACAAGCCCAGGGCCATCGTCGTCAACGCGGAGCGAGGGTAGGAGGCCAACGGGTGGG-3'
Protein context (NP_002326.2, residues 1056-1076): EAMGVVLRGD[Arg1066Cys]DKPRAIVVNA